The following is an entry in ClinVar:

ClinVar aggregate classification (germline): Likely pathogenic (1 of 4 stars; one submission).

Conditions:
Arginase deficiency. Also called: ARGININEMIA; ARG1 DEFICIENCY; Arginase 1 Deficiency. Identifiers: Orphanet 90, MedGen C0268548, MONDO:0008814, OMIM 207800.

Submission:

Centre for Medical Genetics,  Mumbai
Classification: Likely pathogenic for Arginase deficiency. Last evaluated: 2025-12-31. Review status: criteria provided, single submitter. Criteria: ACMG Guidelines, 2015. Collection method: provider interpretation. Allele origin: germline. Inheritance: Autosomal recessive inheritance. Affected: yes. Observed: 1 homozygote.
Comment: The variant satisfies PM2 criteria: absent in gnomAD. The variant satisfies PP2 criteria: missense variant in a gene with low rate of benign missense mutations and for which missense mutation is a common mechanism of a disease and PP3 criteria: for a missense or a splicing region variant, computational prediction tools unanimously support a deleterious effect on the gene

Literature cited by the submitters: PubMed 29726057.

NM_000045.4(ARG1):c.545T>G (p.Val182Gly)

Genes: ARG1 (arginase 1; plus strand), MED23 (mediator complex subunit 23; minus strand). Cytogenetic location: 6q23.2.
Variant type: single nucleotide variant.
Coding change: c.545T>G on transcript NM_000045.4 (MANE Select); coding-DNA position 545, T replaced by G.
Protein change: p.Val182Gly; replaces valine 182 with glycine.
Molecular consequence: missense variant. On other transcripts: non-coding transcript variant (1), intron variant (3).
Genome position (GRCh38, 1-based): chr6:131,582,700, T>G. VCF-style: chr6-131582700-T-G. GRCh37 (hg19) VCF-style: chr6-131903840-T-G.
Other names: c.569T>G, p.Val190Gly (NM_001244438.2); c.306-360T>G (NM_001369020.1); c.4077+5009A>C (NM_001270521.2); c.4095+5009A>C (NM_015979.4); short protein forms V182G, V190G.
Identifiers: ClinVar variation 4685525 (VCV004685525.1).